The following is an entry in ClinVar:

NM_032043.3(BRIP1):c.2237_2240del (p.Ile746fs)

Gene: BRIP1 (BRCA1 interacting DNA helicase 1; minus strand). Cytogenetic location: 17q23.2.
Variant type: Deletion.
Coding change: c.2237_2240del on transcript NM_032043.3 (MANE Select); coding-DNA positions 2237 to 2240, 4 bases deleted (TCAA; older notation c.2237_2240delTCAA).
Protein change: p.Ile746fs; shifts the reading frame from isoleucine 746.
Molecular consequence: frameshift variant.
Genome position (GRCh38, 1-based): chr17:61,744,449-61,744,452, TTGA deleted on the plus strand (TCAA on the coding strand, the reverse complement: BRIP1 is on the minus strand); deleting any 4 consecutive bases within chr17:61,744,449-61,744,455 gives the same sequence; the c. name uses the placement nearest the transcript's 3' end. VCF-style (leftmost placement, unchanged base first): chr17-61744448-TTTGA-T. GRCh37 (hg19) VCF-style: chr17-59821809-TTTGA-T.
Other names: c.2237_2240delTCAA (NM_032043.2); short protein forms I746fs.
Identifiers: ClinVar variation 142800 (VCV000142800.19), dbSNP rs587782726, ClinGen allele CA169442.
Genomic context (GRCh38, chr17:61,744,448, plus strand): 5'-ATAAAAAATATTTTTTCACCGACCATGAAATAATTTCCAGTTACCTTTCTCTCCTTTGTA[TTTGA>T]TTGCGTCATAGTACACCTGCAGTAATTCATCAAAATTTGTTTTTTCTCCTCCCTGTGGTT-3'

ClinVar aggregate classification (germline): Pathogenic. Review status: criteria provided, multiple submitters, no conflicts (2 of 4 stars). 5 submissions from 4 submitters: Pathogenic (5). Last evaluated 2025-08-20.

Conditions:
Familial cancer of breast. Also called: BREAST CANCER, FAMILIAL; hereditary breast carcinoma; Hereditary breast cancer. Identifiers: Orphanet 227535, MedGen C0346153, MONDO:0016419, OMIM 114480. Disease mechanism: loss of function.
Fanconi anemia complementation group J. Also called: BRIP1-Related Fanconi Anemia. Identifiers: Orphanet 84, MedGen C1836860, MONDO:0012187, OMIM 609054.
Hereditary cancer-predisposing syndrome. Also called: Tumor predisposition; Neoplastic Syndromes, Hereditary; Hereditary neoplastic syndrome; Hereditary Cancer Syndrome. Identifiers: Orphanet 140162, MedGen C0027672, MeSH D009386, MONDO:0015356.

Submissions (5):

Labcorp Genetics (formerly Invitae), Labcorp
Classification: Pathogenic for Familial cancer of breast; Fanconi anemia complementation group J. Last evaluated: 2025-08-20. Review status: criteria provided, single submitter. Criteria: Invitae Variant Classification Sherloc (09022015). Collection method: clinical testing. Allele origin: germline.
Comment: This sequence change creates a premature translational stop signal (p.Ile746Asnfs*12) in the BRIP1 gene. It is expected to result in an absent or disrupted protein product. Loss-of-function variants in BRIP1 are known to be pathogenic (PMID: 16116423, 17033622, 21964575). This variant is not present in population databases (gnomAD no frequency). This premature translational stop signal has been observed in individual(s) with undergoing testing for hereditary cancer syndromes (PMID: 24763289). ClinVar contains an entry for this variant (Variation ID: 142800). For these reasons, this variant has been classified as Pathogenic.

Ambry Genetics
Classification: Pathogenic for Hereditary cancer-predisposing syndrome. Last evaluated: 2025-01-03. Review status: criteria provided, single submitter. Criteria: Ambry Variant Classification Scheme 2023. Collection method: clinical testing. Allele origin: germline.
Comment: The c.2237_2240delTCAA pathogenic mutation, located in coding exon 14 of the BRIP1 gene, results from a deletion of 4 nucleotides at nucleotide positions 2237 to 2240, causing a translational frameshift with a predicted alternate stop codon (p.I746Nfs*12). This alteration was identified in an individual diagnosed with bilateral breast cancer (Guglielmi C et al. Int J Mol Sci, 2021 Jul;22:). This variant is considered to be rare based on population cohorts in the Genome Aggregation Database (gnomAD). In addition to the clinical data presented in the literature, this alteration is expected to result in loss of function by premature protein truncation or nonsense-mediated mRNA decay. As such, this alteration is interpreted as a disease-causing mutation.

Myriad Genetics, Inc.
Classification: Pathogenic for Familial cancer of breast. Last evaluated: 2023-06-06. Review status: criteria provided, single submitter. Criteria: Myriad Autosomal Dominant, Autosomal Recessive and X-Linked Classification Criteria (2023). Collection method: clinical testing. Allele origin: unknown.
Comment: This variant is considered pathogenic. This variant creates a frameshift predicted to result in premature protein truncation.

Color Diagnostics, LLC DBA Color Health
Classification: Pathogenic for Hereditary cancer-predisposing syndrome. Last evaluated: 2017-11-09. Review status: criteria provided, single submitter. Criteria: ACMG Guidelines, 2015. Collection method: clinical testing. Allele origin: germline.

Labcorp Genetics (formerly Invitae), Labcorp
Classification: Pathogenic for Familial cancer of breast. Last evaluated: 2017-07-14. Review status: criteria provided, single submitter. Criteria: Invitae Variant Classification Sherloc (09022015). Collection method: clinical testing. Allele origin: germline.
Comment: This sequence change creates a premature translational stop signal (p.Ile746Asnfs*12) in the BRIP1 gene. It is expected to result in an absent or disrupted protein product. This variant is not present in population databases (ExAC no frequency). This variant has been reported in the literature in an individual undergoing testing for hereditary cancer syndromes (PMID: 24763289). ClinVar contains an entry for this variant (Variation ID: 142800). Loss-of-function variants in BRIP1 are known to be pathogenic (PMID: 16116423, 17033622, 21964575). For these reasons, this variant has been classified as Pathogenic.

Literature cited by the submitters: PubMed 16116423 (cited by Labcorp Genetics (formerly Invitae), Labcorp); PubMed 17033622 (cited by Labcorp Genetics (formerly Invitae), Labcorp); PubMed 21964575 (cited by Labcorp Genetics (formerly Invitae), Labcorp); PubMed 24763289 (cited by Labcorp Genetics (formerly Invitae), Labcorp); PubMed 34299313 (cited by Ambry Genetics).